The following is an entry in ClinVar:

ClinVar aggregate classification (germline): Uncertain significance (1 of 4 stars; one submission).

Conditions:
Charcot-Marie-Tooth disease type 2. Also called: Charcot-Marie-Tooth type 2. Identifiers: Orphanet 64746, MedGen C0270914, MONDO:0018993.

Allele frequency attached by ClinVar (database versions not stated): ExAC 0.00001; gnomAD exomes below 0.00001.
gnomAD v4.1: 1 of 1,614,156 alleles (0.000062%); highest among the groups gnomAD compares: South Asian, 0.0011%; no homozygotes.

Submission:

Labcorp Genetics (formerly Invitae), Labcorp
Classification: Uncertain significance for Charcot-Marie-Tooth disease type 2. Last evaluated: 2023-03-03. Review status: criteria provided, single submitter. Criteria: Invitae Variant Classification Sherloc (09022015). Collection method: clinical testing. Allele origin: germline.
Comment: This sequence change replaces leucine, which is neutral and non-polar, with phenylalanine, which is neutral and non-polar, at codon 4 of the MFN2 protein (p.Leu4Phe). In summary, the available evidence is currently insufficient to determine the role of this variant in disease. Therefore, it has been classified as a Variant of Uncertain Significance. Algorithms developed to predict the effect of missense changes on protein structure and function output the following: SIFT: "Not Available"; PolyPhen-2: "Benign"; Align-GVGD: "Not Available". The phenylalanine amino acid residue is found in multiple mammalian species, which suggests that this missense change does not adversely affect protein function. ClinVar contains an entry for this variant (Variation ID: 1721495). This variant has not been reported in the literature in individuals affected with MFN2-related conditions. This variant is present in population databases (rs764758724, gnomAD 0.003%).

NM_014874.4(MFN2):c.10C>T (p.Leu4Phe)

Gene: MFN2 (mitofusin 2; plus strand). Cytogenetic location: 1p36.22.
Variant type: single nucleotide variant.
Coding change: c.10C>T on transcript NM_014874.4 (MANE Select); coding-DNA position 10, C replaced by T.
Protein change: p.Leu4Phe; replaces leucine 4 with phenylalanine.
Molecular consequence: missense variant.
Genome position (GRCh38, 1-based): chr1:11,989,178, C>T. VCF-style: chr1-11989178-C-T. GRCh37 (hg19) VCF-style: chr1-12049235-C-T.
Other names: c.10C>T, p.Leu4Phe (NM_001127660.2); short protein forms L4F.
Identifiers: ClinVar variation 1721495 (VCV001721495.5), dbSNP rs764758724, ClinGen allele CA598721.